The following is an entry in ClinVar:

ClinVar aggregate classification (germline): Conflicting classifications of pathogenicity. Review status: criteria provided, conflicting classifications (1 of 4 stars). 2 submissions from 2 submitters: Likely pathogenic (1); Uncertain significance (1). Last evaluated 2025-03-11.

Conditions:
Early-infantile DEE. Also called: Ohtahara syndrome; Early infantile epileptic encephalopathy; Early infantile epileptic encephalopathy with suppression bursts. Identifiers: Orphanet 1934, MedGen C0393706, MONDO:0800491.

Allele frequency attached by ClinVar (database versions not stated): gnomAD exomes below 0.00001.
gnomAD v4.1: 1 of 1,613,752 alleles (0.000062%); highest among the groups gnomAD compares: Non-Finnish European, 0.000085%; no homozygotes.

Submissions (2):

GeneDx
Classification: Uncertain significance. Last evaluated: 2025-03-11. Review status: criteria provided, single submitter. Criteria: GeneDx Variant Classification Process June 2021. Collection method: clinical testing. Allele origin: germline. Affected: yes.
Comment: Not observed at significant frequency in large population cohorts (gnomAD); In silico analysis supports that this missense variant does not alter protein structure/function; This substitution is located within the C-terminal cytoplasmic domain; This variant is associated with the following publications: (PMID: 29614566, 29215089)

Labcorp Genetics (formerly Invitae), Labcorp
Classification: Likely pathogenic for Early-infantile DEE. Last evaluated: 2024-09-27. Review status: criteria provided, single submitter. Criteria: Invitae Variant Classification Sherloc (09022015). Collection method: clinical testing. Allele origin: germline.
Comment: This sequence change replaces valine, which is neutral and non-polar, with isoleucine, which is neutral and non-polar, at codon 320 of the KCNQ2 protein (p.Val320Ile). This variant is not present in population databases (gnomAD no frequency). This missense change has been observed in individual(s) with KCNQ2-related conditions (PMID: 29215089). It has also been observed to segregate with disease in related individuals. ClinVar contains an entry for this variant (Variation ID: 1483841). Invitae Evidence Modeling of protein sequence and biophysical properties (such as structural, functional, and spatial information, amino acid conservation, physicochemical variation, residue mobility, and thermodynamic stability) indicates that this missense variant is expected to disrupt KCNQ2 protein function with a positive predictive value of 95%. In summary, the currently available evidence indicates that the variant is pathogenic, but additional data are needed to prove that conclusively. Therefore, this variant has been classified as Likely Pathogenic.

Literature cited by the submitters: PubMed 29215089 (cited by Labcorp Genetics (formerly Invitae), Labcorp).

NM_172107.4(KCNQ2):c.958G>A (p.Val320Ile)

Gene: KCNQ2 (potassium voltage-gated channel subfamily Q member 2; minus strand). Cytogenetic location: 20q13.33.
Variant type: single nucleotide variant.
Coding change: c.958G>A on transcript NM_172107.4 (MANE Select); coding-DNA position 958, G replaced by A.
Protein change: p.Val320Ile; replaces valine 320 with isoleucine.
Molecular consequence: missense variant.
Genome position (GRCh38, 1-based): chr20:63,438,690, C>T on the plus strand (G>A on the coding strand, the complement: KCNQ2 is on the minus strand). VCF-style: chr20-63438690-C-T. GRCh37 (hg19) VCF-style: chr20-62070043-C-T.
Other names: c.958G>A (NM_172107.2); c.958G>A, p.Val320Ile (NM_001382235.1, NM_004518.6, NM_172106.3 and 2 more transcripts); short protein forms V320I.
Identifiers: ClinVar variation 1483841 (VCV001483841.8), dbSNP rs2145712541, ClinGen allele CA409652257.